The following is an entry in ClinVar:

NM_080916.3(DGUOK):c.17T>A (p.Leu6His)

Genes: DGUOK (deoxyguanosine kinase; plus strand), LOC129934096 (ATAC-STARR-seq lymphoblastoid active region 16036; plus strand). Cytogenetic location: 2p13.1.
Variant type: single nucleotide variant.
Coding change: c.17T>A on transcript NM_080916.3 (MANE Select); coding-DNA position 17, T replaced by A.
Protein change: p.Leu6His; replaces leucine 6 with histidine.
Molecular consequence: missense variant. On other transcripts: 5 prime UTR variant (4), non-coding transcript variant (6).
Genome position (GRCh38, 1-based): chr2:73,926,927, T>A. VCF-style: chr2-73926927-T-A. GRCh37 (hg19) VCF-style: chr2-74154054-T-A.
Other names: p.Leu6His; c.17T>A, p.Leu6His (NM_001318859.2, NM_080918.3); c.-162T>A (NM_001318860.2, NM_001318863.2); c.-248T>A (NM_001318861.2, NM_001318862.2); c.17T>A (NM_080916.2); short protein forms L6H.
Identifiers: ClinVar variation 214282 (VCV000214282.10), dbSNP rs372855715, ClinGen allele CA320014.

ClinVar aggregate classification (germline): Uncertain significance. Review status: criteria provided, multiple submitters, no conflicts (2 of 4 stars). 5 submissions from 5 submitters: Uncertain significance (4). 1 of the submissions does not count toward it. Last evaluated 2025-01-22.

Conditions:
DGUOK-related disorder. Also called: DGUOK-related condition.
Inborn genetic diseases. Identifiers: MedGen C0950123, MeSH D030342.

Allele frequency attached by ClinVar (database versions not stated): gnomAD 0.00006 and 0.00007; ExAC 0.00004; TOPMed 0.00008; gnomAD exomes 0.00008.
gnomAD v4.1: 61 of 1,613,378 alleles (0.0038%); highest among the groups gnomAD compares: East Asian, 0.069%; 1 homozygote.

Submissions (5):

Mayo Clinic Laboratories, Mayo Clinic
Classification: Uncertain significance. Last evaluated: 2025-01-22. Review status: criteria provided, single submitter. Criteria: ACMG Guidelines, 2015. Collection method: clinical testing. Allele origin: germline. Observed: 1 variant allele.
Comment: BP4

Ambry Genetics
Classification: Uncertain significance for Inborn genetic diseases. Last evaluated: 2024-10-12. Review status: criteria provided, single submitter. Criteria: Ambry Variant Classification Scheme 2023. Collection method: clinical testing. Allele origin: germline.

Labcorp Genetics (formerly Invitae), Labcorp
Classification: Uncertain significance. Last evaluated: 2022-06-17. Review status: criteria provided, single submitter. Criteria: Invitae Variant Classification Sherloc (09022015). Collection method: clinical testing. Allele origin: germline.
Comment: This sequence change replaces leucine, which is neutral and non-polar, with histidine, which is basic and polar, at codon 6 of the DGUOK protein (p.Leu6His). This variant is present in population databases (rs372855715, gnomAD 0.1%). This variant has not been reported in the literature in individuals affected with DGUOK-related conditions. ClinVar contains an entry for this variant (Variation ID: 214282). Algorithms developed to predict the effect of missense changes on protein structure and function are either unavailable or do not agree on the potential impact of this missense change (SIFT: "Deleterious"; PolyPhen-2: "Benign"; Align-GVGD: "Class C0"). In summary, the available evidence is currently insufficient to determine the role of this variant in disease. Therefore, it has been classified as a Variant of Uncertain Significance.

Eurofins Ntd Llc (ga)
Classification: Uncertain significance. Last evaluated: 2017-09-19. Review status: criteria provided, single submitter. Criteria: EGL Classification Definitions 2015. Collection method: clinical testing. Allele origin: germline. Observed: 2 variant alleles, 2 heterozygotes.

PreventionGenetics, part of Exact Sciences
Classification: Uncertain significance for DGUOK-related condition. Last evaluated: 2024-06-10. Review status: no assertion criteria provided. Collection method: clinical testing. Allele origin: germline. Not counted in ClinVar's aggregate classification.
Comment: The DGUOK c.17T>A variant is predicted to result in the amino acid substitution p.Leu6His. To our knowledge, this variant has not been reported in the literature. This variant is reported in 0.090% of alleles in individuals of East Asian descent in gnomAD. Although we suspect that this variant may be benign, at this time, the clinical significance of this variant is uncertain due to the absence of conclusive functional and genetic evidence.